The following is an entry in ClinVar:

NM_000388.4(CASR):c.2008G>C (p.Gly670Arg)

Gene: CASR (calcium sensing receptor; plus strand). Cytogenetic location: 3q21.1.
Variant type: single nucleotide variant.
Coding change: c.2008G>C on transcript NM_000388.4 (MANE Select); coding-DNA position 2008, G replaced by C.
Protein change: p.Gly670Arg; replaces glycine 670 with arginine.
Molecular consequence: missense variant.
Genome position (GRCh38, 1-based): chr3:122,283,962, G>C. VCF-style: chr3-122283962-G-C. GRCh37 (hg19) VCF-style: chr3-122002809-G-C.
Other names: c.2038G>C, p.Gly680Arg (NM_001178065.2); short protein forms G680R, G670R.
Identifiers: ClinVar variation 1397805 (VCV001397805.7), dbSNP rs2074927550, ClinGen allele CA354158293.

ClinVar aggregate classification (germline): Pathogenic/Likely pathogenic. Review status: criteria provided, multiple submitters, no conflicts (2 of 4 stars). 2 submissions from 2 submitters: Pathogenic (1); Likely pathogenic (1). Last evaluated 2025-10-22.

Conditions:
Autosomal dominant hypocalcemia. Identifiers: Orphanet 428, MedGen C4048195, MONDO:0018543.
Familial hypocalciuric hypercalcemia (FHH). Also called: Familial benign hypercalcemia. Identifiers: Orphanet 405, MedGen C1809471, MONDO:0018458.
Autosomal dominant hypocalcemia 1 (HYPOC1). Also called: HYPOCALCEMIA, FAMILIAL. Identifiers: MedGen C3715128, MONDO:0011013, OMIM 601198.

gnomAD v4.1: 4 of 1,613,218 alleles (0.00025%); highest among the groups gnomAD compares: Non-Finnish European, 0.00034%; no homozygotes.

Submissions (2):

Women's Health and Genetics/Laboratory Corporation of America, LabCorp
Classification: Likely pathogenic for Autosomal dominant hypocalcemia. Last evaluated: 2025-10-22. Review status: criteria provided, single submitter. Criteria: LabCorp Variant Classification Summary - May 2015. Collection method: clinical testing. Allele origin: germline.
Comment: Variant summary: CASR c.2008G>C (p.Gly670Arg) results in a non-conservative amino acid change in the encoded protein sequence. Algorithms developed to predict the effect of missense changes on protein structure and function all suggest that this variant is likely to be disruptive. The variant was absent in 251084 control chromosomes (gnomAD). To our knowledge, no occurrence of c.2008G>C in individuals affected with CASR-related conditions has been reported. A different variant resulting in the same amino acid consequence has been classified as pathogenic by our lab (c.2008G>A), supporting the pathogenicity of this variant. At least one publication reports experimental evidence evaluating an impact on protein function of p.Gly670Arg. The most pronounced variant effect showed increased Ca2+ potency with reduced expression compared to WT in vitro in Ca2+ mobilization assays, consistent with gain-of-function effect (e.g. Leach_2012). The following publication has been ascertained in the context of this evaluation (PMID: 22798347). ClinVar contains an entry for this variant (Variation ID: 1397805). Based on the evidence outlined above, the variant was classified as likely pathogenic.

Labcorp Genetics (formerly Invitae), Labcorp
Classification: Pathogenic for Familial hypocalciuric hypercalcemia; Autosomal dominant hypocalcemia 1. Last evaluated: 2024-12-12. Review status: criteria provided, single submitter. Criteria: Invitae Variant Classification Sherloc (09022015). Collection method: clinical testing. Allele origin: germline.
Comment: This sequence change replaces glycine, which is neutral and non-polar, with arginine, which is basic and polar, at codon 670 of the CASR protein (p.Gly670Arg). This variant is not present in population databases (gnomAD no frequency). This missense change has been observed in individuals with clinical features of familial hypocalciuric hypercalcemia (PMID: 8675635, 17698911, 26963950, 32347971; internal data). It has also been observed to segregate with disease in related individuals. ClinVar contains an entry for this variant (Variation ID: 1397805). An algorithm developed to predict the effect of missense changes on protein structure and function (PolyPhen-2) suggests that this variant is likely to be disruptive. Experimental studies have shown that this missense change affects CASR function (PMID: 22798347). For these reasons, this variant has been classified as Pathogenic.

Literature cited by the submitters: PubMed 22798347 (cited by Women's Health and Genetics/Laboratory Corporation of America, LabCorp and Labcorp Genetics (formerly Invitae), Labcorp); PubMed 8675635 (cited by Labcorp Genetics (formerly Invitae), Labcorp); PubMed 17698911 (cited by Labcorp Genetics (formerly Invitae), Labcorp); PubMed 26963950 (cited by Labcorp Genetics (formerly Invitae), Labcorp); PubMed 32347971 (cited by Labcorp Genetics (formerly Invitae), Labcorp).